The following is an entry in ClinVar:

ClinVar aggregate classification (germline): Uncertain significance (1 of 4 stars; one submission).

Submission:

CeGaT Center for Human Genetics Tuebingen
Classification: Uncertain significance. Last evaluated: 2023-06-01. Review status: criteria provided, single submitter. Criteria: CeGaT Center For Human Genetics Tuebingen Variant Classification Criteria Version 2. Collection method: clinical testing. Allele origin: germline. Affected: yes. Observed: 1 variant allele.
Comment: KMT2D: PM2, BP4

NM_003482.4(KMT2D):c.2129C>A (p.Pro710Gln)

Gene: KMT2D (lysine methyltransferase 2D; minus strand). Cytogenetic location: 12q13.12.
Variant type: single nucleotide variant.
Coding change: c.2129C>A on transcript NM_003482.4 (MANE Select); coding-DNA position 2129, C replaced by A.
Protein change: p.Pro710Gln; replaces proline 710 with glutamine.
Molecular consequence: missense variant.
Genome position (GRCh38, 1-based): chr12:49,051,554, G>T on the plus strand (C>A on the coding strand, the complement: KMT2D is on the minus strand). VCF-style: chr12-49051554-G-T. GRCh37 (hg19) VCF-style: chr12-49445337-G-T.
Other names: short protein forms P710Q.
Identifiers: ClinVar variation 2642964 (VCV002642964.24), dbSNP rs758912919, ClinGen allele CA384668339.